The following is an entry in ClinVar:

NM_000440.3(PDE6A):c.1113+9T>C

Gene: PDE6A (phosphodiesterase 6A; minus strand). Cytogenetic location: 5q32.
Variant type: single nucleotide variant.
Coding change: c.1113+9T>C on transcript NM_000440.3 (MANE Select); 9 bases into the intron after coding-DNA position 1113, T replaced by C.
Molecular consequence: intron variant.
Genome position (GRCh38, 1-based): chr5:149,903,639, A>G on the plus strand (T>C on the coding strand, the complement: PDE6A is on the minus strand). VCF-style: chr5-149903639-A-G. GRCh37 (hg19) VCF-style: chr5-149283202-A-G.
Other names: c.870+9T>C (NM_001410788.1); c.1113+9T>C (NM_000440.2).
Identifiers: ClinVar variation 3618658 (VCV003618658.3).

ClinVar aggregate classification (germline): Likely benign. Review status: criteria provided, multiple submitters, no conflicts (2 of 4 stars). 2 submissions from 2 submitters: Likely benign (2). Last evaluated 2026-03-30.

Conditions:
PDE6A-related disorder. Also called: PDE6A-related condition.

gnomAD v4.1: 8 of 1,610,498 alleles (0.0005%); highest among the groups gnomAD compares: Non-Finnish European, 0.00068%; no homozygotes.

Submissions (2):

PreventionGenetics, part of Exact Sciences
Classification: Likely benign for PDE6A-related condition. Last evaluated: 2026-03-30. Review status: criteria provided, single submitter. Criteria: ACMG Guidelines, 2015. Collection method: clinical testing. Allele origin: germline.
Comment: This variant is classified as likely benign based on ACMG/AMP sequence variant interpretation guidelines (Richards et al. 2015 PMID: 25741868, with internal and published modifications).

Labcorp Genetics (formerly Invitae), Labcorp
Classification: Likely benign. Last evaluated: 2024-06-11. Review status: criteria provided, single submitter. Criteria: Invitae Variant Classification Sherloc (09022015). Collection method: clinical testing. Allele origin: germline.